The following is an entry in ClinVar:

NM_016138.5(COQ7):c.161G>A (p.Arg54Gln)

Gene: COQ7 (coenzyme Q7, hydroxylase; plus strand). Cytogenetic location: 16p12.3.
Variant type: single nucleotide variant.
Coding change: c.161G>A on transcript NM_016138.5 (MANE Select); coding-DNA position 161, G replaced by A.
Protein change: p.Arg54Gln; replaces arginine 54 with glutamine.
Molecular consequence: missense variant. On other transcripts: non-coding transcript variant (3).
Genome position (GRCh38, 1-based): chr16:19,072,015, G>A. VCF-style: chr16-19072015-G-A. GRCh37 (hg19) VCF-style: chr16-19083337-G-A.
Other names: c.47G>A, p.Arg16Gln (NM_001190983.2, NM_001370492.1, NM_001370493.1 and 2 more transcripts); c.119G>A, p.Arg40Gln (NM_001370489.1, NM_001370491.1); c.161G>A, p.Arg54Gln (NM_001370490.1); short protein forms R54Q, R16Q, R40Q.
Identifiers: ClinVar variation 587428 (VCV000587428.37), dbSNP rs770654508, ClinGen allele CA278722818.

ClinVar aggregate classification (germline): Conflicting classifications of pathogenicity. Review status: criteria provided, conflicting classifications (1 of 4 stars). 10 submissions from 9 submitters: Pathogenic (3); Likely pathogenic (3); Uncertain significance (2). 2 of the submissions do not count toward it. Last evaluated 2025-09-17.

Conditions:
Primary coenzyme Q10 deficiency 8. Identifiers: MedGen C4225226, MONDO:0014754, OMIM 616733.
Neuronopathy, distal hereditary motor, autosomal recessive 9 (HMNR9). Also called: NEUROPATHY, DISTAL HEREDITARY MOTOR, AUTOSOMAL RECESSIVE 9. Identifiers: Orphanet 658778, MedGen C5882672, MONDO:0957874, OMIM 620402.
COQ7-related disorder. Also called: COQ7-related condition.

Allele frequency attached by ClinVar (database versions not stated): gnomAD exomes 0.00004 and 0.00001; TOPMed 0.00001.
gnomAD v4.1: 54 of 1,614,214 alleles (0.0033%); highest among the groups gnomAD compares: Middle Eastern, 0.016%; no homozygotes.

Submissions (10):

3billion
Classification: Pathogenic for Primary coenzyme Q10 deficiency 8. Last evaluated: 2025-09-17. Review status: criteria provided, single submitter. Criteria: ACMG Guidelines, 2015. Collection method: clinical testing. Allele origin: germline. Affected: yes.
Comment: The variant is observed at an extremely low frequency in the gnomAD v4.1.0 dataset (total allele frequency: 0.004%). Predicted Consequence/Location: Missense variant Functional studies provide strong evidence of the variant having a damaging effect on the gene or gene product (PMID: 35782625, 37392700). In silico tool predictions suggest damaging effect of the variant on gene or gene product [REVEL: 0.70 (>=0.6, sensitivity 0.68 and specificity 0.92); 3Cnet: 0.87 (> 0.75, sensitivity 0.96 and precision 0.92)]. The same nucleotide change resulting in the same amino acid change has been previously reported as pathogenic/likely pathogenic with strong evidence (ClinVar ID: VCV000587428 /PMID: 35782625 /3billion dataset). The variant has been reported to be in trans with a pathogenic variant as either compound heterozygous or homozygous in at least one similarly affected unrelated individual (PMID: 35782625, 37392700). A different missense change at the same codon (p.Arg54Trp) has been reported to be associated with COQ7-related disorder (ClinVar ID: VCV002580230 /PMID: 36758993). Therefore, this variant is classified as Pathogenic according to the recommendation of ACMG/AMP guideline.

Dasa
Classification: Likely pathogenic. Last evaluated: 2025-08-28. Review status: criteria provided, single submitter. Criteria: DASA Assertion Criteria. Collection method: clinical testing. Allele origin: germline.
Comment: NM_016138.5(COQ7):c.161G>A (p.Arg54Gln) is a missense variant that results in the substitution of arginine with glutamine. This variant has been reported in individuals with COQ7-related disorders (PMID: 36758993). Functional evidence supports an impact on the gene or gene product (PMID: 36758993). Also, this variant is rare in population databases. Computational evidence supports a deleterious effect. Based on the currently available evidence, this variant is classified as likely pathogenic.

Clinical Genetics Laboratory, Skane University Hospital Lund
Classification: Likely pathogenic for Neuronopathy, distal hereditary motor, autosomal recessive 9. Last evaluated: 2025-03-05. Review status: criteria provided, single submitter. Criteria: ACMG Guidelines, 2015. Collection method: clinical testing. Allele origin: germline. Affected: yes.
Comment: PS3_Supporting, PM2, PM3_Strong and PP3.

Victorian Clinical Genetics Services, Murdoch Childrens Research Institute
Classification: Pathogenic for Primary coenzyme Q10 deficiency 8. Last evaluated: 2024-09-20. Review status: criteria provided, single submitter. Criteria: ACMG Guidelines, 2015. Collection method: clinical testing. Allele origin: germline. Inheritance: Autosomal recessive inheritance. Affected: yes.
Comment: Based on the classification scheme VCGS_Germline_v1.3.4, this variant is classified as Pathogenic. Following criteria are met: 0102 - Loss of function is a known mechanism of disease in this gene, and is associated with primary coenzyme Q10 deficiency 8 (MIM#616733) and autosomal recessive distal hereditary motor neuronopathy 9 (MIM#620402). (I) 0106 - This gene is associated with autosomal recessive disease. (I) 0200 - Variant is predicted to result in a missense amino acid change from arginine to glutamine. (I) 0251 - This variant is heterozygous. (I) 0304 - Variant is present in gnomAD (v2) <0.01 for a recessive condition (3 heterozygotes, 0 homozygotes). (SP) 0309 - An alternative amino acid change at the same position has been observed in gnomAD (v2) (4 heterozygotes, 0 homozygotes). (I) 0502 - Missense variant with conflicting in silico predictions and uninformative conservation. (I) 0600 - Variant is located in the annotated ubiquinone biosynthesis protein COQ7 domain (DECIPHER). (I) 0708 - Another missense variant comparable to the one identified in this case has conflicting previous evidence for pathogenicity. p.(Arg54Trp) has been reported as compound heterozygous with another missense variant in an individual with distal hereditary motor neuropathy (PMID: 36758993). It has also been reported as a variant of uncertain significance by a clinical testing laboratory, without conclusive evidence against its pathogenicity being provided (ClinVar). (I) 0801 - This variant has strong previous evidence of pathogenicity in unrelated individuals. It has been reported in multiple affected individuals, including four homozygotes and one compound heterozygote (PMIDs: 35782625, 37170631, 37392700). It has also been reported as a variant of uncertain significance by a clinical testing laboratory without further evidence provided (ClinVar). (SP) 0905 - No published segregation evidence has been identified for this variant. (I) 1001 - This variant has strong functional evidence supporting abnormal protein function. Low ubiquinone level and a severe reduction in COQ7 protein level were shown in the skin fibroblasts from an affected individual who is homozygous for this variant (PMID: 35782625). Similar findings were shown in the fibroblasts from this proband (MRFF-funded mito MDT project). In addition, a higher increase in the respiratory chain complex II+III activity was detected in this proband’s fibroblasts when supplemented with a CoQ analog, compared to the control cell lines (MRFF-funded mito MDT project). Functional studies using a yeast model suggest this variant is hypomorphic (PMID: 37392700). (SP) 1201 - Heterozygous variant detected in trans with a second pathogenic heterozygous variant (NM_016138.4(COQ7):c.319C>T; p.(Arg107Trp)) in a recessive disease. (I) Legend: (SP) - Supporting pathogenic, (I) - Information, (SB) - Supporting benign

Blueprint Genetics
Classification: Pathogenic for COQ7-related disorders. Last evaluated: 2024-05-27. Review status: criteria provided, single submitter. Criteria: ACMG Guidelines, 2015. Collection method: clinical testing. Allele origin: germline. Affected: yes. Observed: 5 variant alleles.

Laboratorio de Genetica e Diagnostico Molecular, Hospital Israelita Albert Einstein
Classification: Likely pathogenic for Primary coenzyme Q10 deficiency 8. Last evaluated: 2023-10-27. Review status: criteria provided, single submitter. Criteria: ACMG Guidelines, 2015. Collection method: clinical testing. Allele origin: germline. Affected: yes.
Comment: ACMG classification criteria: PS3 supporting, PM2 supporting, PM3 strong, PP3 supporting

CeGaT Center for Human Genetics Tuebingen
Classification: Uncertain significance. Last evaluated: 2023-08-01. Review status: criteria provided, single submitter. Criteria: CeGaT Center For Human Genetics Tuebingen Variant Classification Criteria Version 2. Collection method: clinical testing. Allele origin: germline. Affected: yes. Observed: 1 variant allele.
Comment: COQ7: PM2, PM3:Supporting, PS3:Supporting

Genomic Research Center, Shahid Beheshti University of Medical Sciences
Classification: Uncertain significance for Coenzyme Q10 deficiency, primary, 8. Last evaluated: 2018-08-07. Review status: criteria provided, single submitter. Criteria: ACMG Guidelines, 2015. Collection method: clinical testing. Allele origin: inherited. Affected: yes. Observed: 1 variant allele.

OMIM
Classification: Pathogenic for COENZYME Q10 DEFICIENCY, PRIMARY, 8. Last evaluated: 2024-01-31. Review status: no assertion criteria provided. Collection method: literature only. Allele origin: germline. Not counted in ClinVar's aggregate classification.

OMIM
Classification: Pathogenic for NEURONOPATHY, DISTAL HEREDITARY MOTOR, AUTOSOMAL RECESSIVE 9. Last evaluated: 2024-01-31. Review status: no assertion criteria provided. Collection method: literature only. Allele origin: germline. Not counted in ClinVar's aggregate classification.

Literature cited by the submitters: PubMed 36758993 (cited by 3 submitters); PubMed 35782625 (cited by 4 submitters); PubMed 37392700 (cited by 3 submitters); PubMed 37170631 (cited by Dasa and Victorian Clinical Genetics Services, Murdoch Childrens Research Institute).